The following is an entry in ClinVar:

NM_005428.4(VAV1):c.187C>T (p.Arg63Cys)

Gene: VAV1 (vav guanine nucleotide exchange factor 1; plus strand). Cytogenetic location: 19p13.3.
Variant type: single nucleotide variant.
Coding change: c.187C>T on transcript NM_005428.4 (MANE Select); coding-DNA position 187, C replaced by T.
Protein change: p.Arg63Cys; replaces arginine 63 with cysteine.
Molecular consequence: missense variant.
Genome position (GRCh38, 1-based): chr19:6,772,994, C>T. VCF-style: chr19-6772994-C-T. GRCh37 (hg19) VCF-style: chr19-6773005-C-T.
Other names: c.187C>T, p.Arg63Cys (NM_001258206.2, NM_001258207.2); short protein forms R63C.
Identifiers: ClinVar variation 1398496 (VCV001398496.6), dbSNP rs1176906044, ClinGen allele CA403648534.
Genomic context (GRCh38, chr19:6,772,994, plus strand): 5'-CTGTGTCAGCTGCTTAACAACCTGCTACCCCATGCCATCAACCTGCGTGAGGTCAACCTG[C>T]GCCCCCAGATGTCCCAGGTGAGCCCTCCGCGGGCAGGTGTGCTGAGGGTTGGAGACGGGG-3'
Protein context (NP_005419.2, residues 53-73): HAINLREVNL[Arg63Cys]PQMSQFLCLK

ClinVar aggregate classification (germline): Uncertain significance (1 of 4 stars; one submission).

Allele frequency attached by ClinVar (database versions not stated): gnomAD exomes below 0.00001 and 0.00001; gnomAD 0.00001; TOPMed 0.00001.
gnomAD v4.1: 4 of 1,613,950 alleles (0.00025%); highest among the groups gnomAD compares: Admixed American, 0.0017%; no homozygotes.

Submission:

Labcorp Genetics (formerly Invitae), Labcorp
Classification: Uncertain significance. Last evaluated: 2021-10-27. Review status: criteria provided, single submitter. Criteria: Invitae Variant Classification Sherloc (09022015). Collection method: clinical testing. Allele origin: germline.
Comment: In summary, the available evidence is currently insufficient to determine the role of this variant in disease. Therefore, it has been classified as a Variant of Uncertain Significance. Algorithms developed to predict the effect of missense changes on protein structure and function are either unavailable or do not agree on the potential impact of this missense change (SIFT: "Deleterious"; PolyPhen-2: "Probably Damaging"; Align-GVGD: "Class C0"). This variant has not been reported in the literature in individuals affected with VAV1-related conditions. This variant is present in population databases (no rsID available, gnomAD 0.0009%). This sequence change replaces arginine, a(n) basic and polar amino acid, with cysteine, a(n) neutral and slightly polar amino acid, at codon 63 of the VAV1 protein (p.Arg63Cys).